The following is an entry in ClinVar:

ClinVar aggregate classification (germline): Benign (0 of 4 stars; one submission).

Conditions:
FNDC3B-related disorder. Also called: FNDC3B-related condition.

Allele frequency attached by ClinVar (database versions not stated): ExAC 0.55086; gnomAD 0.60693; ESP Exome Variant Server 0.61464; TOPMed 0.61608; 1000 Genomes Project 0.64477; 1000 Genomes Project 30x 0.65412.
gnomAD v4.1: 843,369 of 1,609,202 alleles (52%); highest among the groups gnomAD compares: African/African-American, 86%; 226,650 homozygotes.

Submission:

PreventionGenetics, part of Exact Sciences
Classification: Benign for FNDC3B-related condition. Last evaluated: 2019-10-29. Review status: no assertion criteria provided. Collection method: clinical testing. Allele origin: germline.
Comment: This variant is classified as benign based on ACMG/AMP sequence variant interpretation guidelines (Richards et al. 2015 PMID: 25741868, with internal and published modifications).

NM_022763.4(FNDC3B):c.536C>G (p.Thr179Ser)

Gene: FNDC3B (fibronectin type III domain containing 3B; plus strand). Cytogenetic location: 3q26.31.
Variant type: single nucleotide variant.
Coding change: c.536C>G on transcript NM_022763.4 (MANE Select); coding-DNA position 536, C replaced by G.
Protein change: p.Thr179Ser; replaces threonine 179 with serine.
Molecular consequence: missense variant.
Genome position (GRCh38, 1-based): chr3:172,251,287, C>G. VCF-style: chr3-172251287-C-G. GRCh37 (hg19) VCF-style: chr3-171969077-C-G.
Other names: c.536C>G, p.Thr179Ser (NM_001135095.2); short protein forms T179S.
Identifiers: ClinVar variation 3060403 (VCV003060403.2), dbSNP rs7652177, ClinGen allele CA2705394.